The following is an entry in ClinVar:

NM_000352.6(ABCC8):c.3682del (p.Glu1228fs)

Gene: ABCC8 (ATP binding cassette subfamily C member 8; minus strand). Cytogenetic location: 11p15.1.
Variant type: Deletion.
Coding change: c.3682del on transcript NM_000352.6 (MANE Select); coding-DNA position 3682, one base deleted (G; older notation c.3682delG).
Protein change: p.Glu1228fs; shifts the reading frame from glutamic acid 1228.
Molecular consequence: frameshift variant. On other transcripts: non-coding transcript variant (1).
Genome position (GRCh38, 1-based): chr11:17,398,410, C deleted on the plus strand (G on the coding strand, the reverse complement: ABCC8 is on the minus strand). VCF-style (leftmost placement, unchanged base first): chr11-17398409-TC-T. GRCh37 (hg19) VCF-style: chr11-17419956-TC-T.
Other names: c.3685del, p.Glu1229fs (NM_001287174.3); c.3748del, p.Glu1250fs (NM_001351295.2); c.3682del, p.Glu1228fs (NM_001351296.2); c.3679del, p.Glu1227fs (NM_001351297.2); short protein forms E1227fs, E1228fs, E1229fs, E1250fs.
Identifiers: ClinVar variation 2101511 (VCV002101511.4), dbSNP rs768706912, ClinGen allele CA5902728.

ClinVar aggregate classification (germline): Pathogenic (1 of 4 stars; one submission).

Allele frequency attached by ClinVar (database versions not stated): ExAC 0.00001; gnomAD 0.00001.

Submission:

Labcorp Genetics (formerly Invitae), Labcorp
Classification: Pathogenic. Last evaluated: 2022-03-01. Review status: criteria provided, single submitter. Criteria: Invitae Variant Classification Sherloc (09022015). Collection method: clinical testing. Allele origin: germline.
Comment: This sequence change creates a premature translational stop signal (p.Glu1228Asnfs*37) in the ABCC8 gene. It is expected to result in an absent or disrupted protein product. Loss-of-function variants in ABCC8 are known to be pathogenic (PMID: 20685672, 23345197). This variant is present in population databases (rs768706912, gnomAD 0.0009%). This variant has not been reported in the literature in individuals affected with ABCC8-related conditions. For these reasons, this variant has been classified as Pathogenic.

Literature cited by the submitters: PubMed 20685672; PubMed 23345197.